The following is an entry in ClinVar:

NM_004329.3(BMPR1A):c.1513G>A (p.Ala505Thr)

Gene: BMPR1A (bone morphogenetic protein receptor type 1A; plus strand). Cytogenetic location: 10q23.2.
Variant type: single nucleotide variant.
Coding change: c.1513G>A on transcript NM_004329.3 (MANE Select); coding-DNA position 1513, G replaced by A.
Protein change: p.Ala505Thr; replaces alanine 505 with threonine.
Molecular consequence: missense variant.
Genome position (GRCh38, 1-based): chr10:86,923,633, G>A. VCF-style: chr10-86923633-G-A. GRCh37 (hg19) VCF-style: chr10-88683390-G-A.
Other names: short protein forms A505T.
Identifiers: ClinVar variation 411624 (VCV000411624.34), dbSNP rs369966011, ClinGen allele CA5585744.

ClinVar aggregate classification (germline): Conflicting classifications of pathogenicity. Review status: criteria provided, conflicting classifications (1 of 4 stars). 11 submissions from 11 submitters: Uncertain significance (10); Benign (1). Last evaluated 2026-05-26.

Conditions:
Polyposis syndrome, hereditary mixed, 2. Identifiers: Orphanet 157794, MedGen C1864730, MONDO:0012405, OMIM 610069.
Hereditary cancer-predisposing syndrome. Also called: Tumor predisposition; Hereditary neoplastic syndrome; Neoplastic Syndromes, Hereditary; Hereditary Cancer Syndrome. Identifiers: Orphanet 140162, MedGen C0027672, MeSH D009386, MONDO:0015356.
Generalized juvenile polyposis/juvenile polyposis coli. Also called: Juvenile polyposis coli. Identifiers: Orphanet 329971, MedGen C1868081, MONDO:0008276.
Juvenile polyposis syndrome (JPS). Identifiers: Orphanet 2929, MedGen C0345893, MONDO:0017380, OMIM 174900.

Allele frequency attached by ClinVar (database versions not stated): gnomAD 0.00001 and 0.00003; TOPMed 0.00003; 1000 Genomes Project 30x 0.00016; 1000 Genomes Project 0.00020; ExAC 0.00003; ESP Exome Variant Server 0.00015; gnomAD exomes 0.00003.
gnomAD v4.1: 49 of 1,614,156 alleles (0.003%); highest among the groups gnomAD compares: Non-Finnish European, 0.0036%; no homozygotes.

Submissions (11):

Women's Health and Genetics/Laboratory Corporation of America, LabCorp
Classification: Uncertain significance. Last evaluated: 2026-05-26. Review status: criteria provided, single submitter. Criteria: LabCorp Variant Classification Summary - May 2015. Collection method: clinical testing. Allele origin: germline.
Comment: Variant summary: BMPR1A c.1513G>A (p.Ala505Thr) results in a non-conservative amino acid change in the encoded protein sequence. Algorithms developed to predict the effect of missense changes on protein structure and function are either unavailable or do not agree on the potential impact of this missense change. The variant allele was found at a frequency of 2.8e-05 in 251488 control chromosomes. The available data on variant occurrences in the general population are insufficient to allow any conclusion about variant significance. c.1513G>A has been observed in individual(s) affected with Lynch Syndrome, without strong evidence for causality (Yurgelun_2015). These report(s) do not provide unequivocal conclusions about association of the variant with disease. To our knowledge, no experimental evidence demonstrating an impact on protein function has been reported. The following publication have been ascertained in the context of this evaluation (PMID: 25980754). ClinVar contains an entry for this variant (Variation ID: 411624). Based on the evidence outlined above, the variant was classified as uncertain significance.

Labcorp Genetics (formerly Invitae), Labcorp
Classification: Uncertain significance for Juvenile polyposis syndrome. Last evaluated: 2026-01-28. Review status: criteria provided, single submitter. Criteria: Invitae Variant Classification Sherloc (09022015). Collection method: clinical testing. Allele origin: germline.
Comment: This sequence change replaces alanine, which is neutral and non-polar, with threonine, which is neutral and polar, at codon 505 of the BMPR1A protein (p.Ala505Thr). This variant is present in population databases (rs369966011, gnomAD 0.004%). This missense change has been observed in individual(s) with Lynch syndrome (PMID: 25980754). ClinVar contains an entry for this variant (Variation ID: 411624). Invitae Evidence Modeling incorporating data from in vitro experimental studies (internal data) indicates that this missense variant is not expected to disrupt BMPR1A function with a negative predictive value of 95%. In summary, the available evidence is currently insufficient to determine the role of this variant in disease. Therefore, it has been classified as a Variant of Uncertain Significance.

Center for Genomic Medicine, Rigshospitalet, Copenhagen University Hospital
Classification: Uncertain significance. Last evaluated: 2025-12-29. Review status: criteria provided, single submitter. Criteria: ACMG Guidelines, 2015. Collection method: clinical testing. Allele origin: germline.

Quest Diagnostics Nichols Institute San Juan Capistrano
Classification: Uncertain significance. Last evaluated: 2025-09-12. Review status: criteria provided, single submitter. Criteria: Quest Diagnostics criteria. Collection method: clinical testing. Allele origin: unknown.
Comment: The BMPR1A c.1513G>A (p.Ala505Thr) variant has been reported in the published literature in individuals affected with Lynch Syndrome-associated cancer and/or polyps (PMID: 25980754 (2015)) and reportedly unaffected individuals (PMID: 30267214 (2018)). The frequency of this variant in the general population (Genome Aggregation Database) is uninformative in the assessment of its pathogenicity. Analysis of this variant using bioinformatics tools for the prediction of the effect of amino acid changes on protein structure and function yielded predictions that this variant is damaging. Based on the available information, we are unable to determine the clinical significance of this variant.

All of Us Research Program, National Institutes of Health
Classification: Uncertain significance for Juvenile polyposis syndrome. Last evaluated: 2024-05-14. Review status: criteria provided, single submitter. Criteria: ACMG Guidelines, 2015. Collection method: clinical testing. Allele origin: germline. Inheritance: Autosomal dominant inheritance. Observed: 13 variant alleles, 13 heterozygotes.
Comment: This missense variant replaces alanine with threonine at codon 505 of the BMPR1A protein. Computational prediction suggests that this variant may not impact protein structure and function (internally defined REVEL score threshold <= 0.5, PMID: 27666373). To our knowledge, functional studies have not been reported for this variant. This variant has been observed in an individual affected with Lynch syndrome-associated cancer and/or colorectal polyps (PMID: 25980754). This variant has been identified in 8/282890 chromosomes in the general population by the Genome Aggregation Database (gnomAD). The available evidence is insufficient to determine the role of this variant in disease conclusively. Therefore, this variant is classified as a Variant of Uncertain Significance.

This study involves interpretation of variants in research participants for the purpose of population health screening. Participant phenotype was not available at the time of variant classification. Additional details can be found in publication PMID: 35346344, PMCID: PMC8962531

Color Diagnostics, LLC DBA Color Health
Classification: Uncertain significance for Hereditary cancer-predisposing syndrome. Last evaluated: 2024-03-28. Review status: criteria provided, single submitter. Criteria: ACMG Guidelines, 2015. Collection method: clinical testing. Allele origin: germline.
Comment: This missense variant replaces alanine with threonine at codon 505 of the BMPR1A protein. Computational prediction suggests that this variant may not impact protein structure and function (internally defined REVEL score threshold <= 0.5, PMID: 27666373). To our knowledge, functional studies have not been reported for this variant. This variant has been observed in an individual affected with Lynch syndrome-associated cancer and/or colorectal polyps (PMID: 25980754). This variant has been identified in 8/282890 chromosomes in the general population by the Genome Aggregation Database (gnomAD). The available evidence is insufficient to determine the role of this variant in disease conclusively. Therefore, this variant is classified as a Variant of Uncertain Significance.

Baylor Genetics
Classification: Uncertain significance for Polyposis syndrome, hereditary mixed, 2. Last evaluated: 2024-03-09. Review status: criteria provided, single submitter. Criteria: ACMG Guidelines, 2015. Collection method: clinical testing. Allele origin: unknown.

GeneDx
Classification: Uncertain significance. Last evaluated: 2023-09-07. Review status: criteria provided, single submitter. Criteria: GeneDx Variant Classification Process June 2021. Collection method: clinical testing. Allele origin: germline.
Comment: In silico analysis supports that this missense variant does not alter protein structure/function; Identified in individuals with Lynch syndrome-associated cancer and/or polyps (PMID: 25980754); This variant is associated with the following publications: (PMID: 25980754)

Ambry Genetics
Classification: Benign for Hereditary cancer-predisposing syndrome. Last evaluated: 2022-12-05. Review status: criteria provided, single submitter. Criteria: Ambry Variant Classification Scheme 2023. Collection method: clinical testing. Allele origin: germline.

Sema4
Classification: Uncertain significance for Hereditary cancer-predisposing syndrome. Last evaluated: 2021-08-19. Review status: criteria provided, single submitter. Criteria: Sema4 Curation Guidelines. Collection method: curation. Allele origin: germline.
Comment: The BMPR1A c.1513G>A (p.A505T) variant has been reported in heterozygosity in at least one individual undergoing testing for Lynch syndrome (PMID: 25980754). This variant was observed in 6/129190 chromosomes in the European (non-Finnish) subpopulation in the large and broad cohorts of the Genome Aggregation Database (PMID: 32461654). The variant has been reported in ClinVar (Variation ID 411624). Functional studies have not been performed, and in silico predictions of the variant's effect on protein function are inconclusive. The evidence is insufficient to meet ACMG/AMP criteria for classifying the variant as benign or pathogenic. Thus, the clinical significance of this variant is currently uncertain.

Department of Pathology and Laboratory Medicine, Sinai Health System
Classification: Uncertain significance for Polyposis syndrome, hereditary mixed, 2; Juvenile polyposis syndrome. Last evaluated: 2019-11-21. Review status: criteria provided, single submitter. Criteria: ACMG Guidelines, 2015. Collection method: clinical testing. Allele origin: germline. Affected: yes.

Literature cited by the submitters: PubMed 25980754 (cited by 8 submitters); PubMed 32459922 (cited by Quest Diagnostics Nichols Institute San Juan Capistrano); PubMed 30267214 (cited by Quest Diagnostics Nichols Institute San Juan Capistrano).